The following is an entry in ClinVar:

NM_001367624.2(ZNF469):c.8682C>A (p.Ser2894Arg)

Gene: ZNF469 (zinc finger protein 469; plus strand). Cytogenetic location: 16q24.2.
Variant type: single nucleotide variant.
Coding change: c.8682C>A on transcript NM_001367624.2 (MANE Select); coding-DNA position 8682, C replaced by A.
Protein change: p.Ser2894Arg; replaces serine 2894 with arginine.
Molecular consequence: missense variant.
Genome position (GRCh38, 1-based): chr16:88,436,152, C>A. VCF-style: chr16-88436152-C-A. GRCh37 (hg19) VCF-style: chr16-88502560-C-A.
Other names: NM_001127464.1:c.8598C>A; short protein forms S2894R.
Identifiers: ClinVar variation 1763963 (VCV001763963.2), dbSNP rs1361983771, ClinGen allele CA397119137.

ClinVar aggregate classification (germline): Uncertain significance (1 of 4 stars; one submission).

Conditions:
Cardiovascular phenotype. Identifiers: MedGen CN230736.

Submission:

Ambry Genetics
Classification: Uncertain significance for Cardiovascular phenotype. Last evaluated: 2022-06-09. Review status: criteria provided, single submitter. Criteria: Ambry Variant Classification Scheme 2023. Collection method: clinical testing. Allele origin: germline.
Comment: The p.S2866R variant (also known as c.8598C>A), located in coding exon 2 of the ZNF469 gene, results from a C to A substitution at nucleotide position 8598. The serine at codon 2866 is replaced by arginine, an amino acid with dissimilar properties. This amino acid position is conserved. In addition, this alteration is predicted to be tolerated by in silico analysis. Since supporting evidence is limited at this time, the clinical significance of this alteration remains unclear.